The following is an entry in ClinVar:

ClinVar aggregate classification (germline): Uncertain significance (1 of 4 stars; one submission).

Conditions:
Epilepsy, familial focal, with variable foci 3 (FFEVF3). Identifiers: MedGen C4310708, MONDO:0014925, OMIM 617118.

Allele frequency attached by ClinVar (database versions not stated): gnomAD exomes 0.00008; 1000 Genomes Project 30x 0.00016; TOPMed 0.00008; ExAC 0.00011; 1000 Genomes Project 0.00020; gnomAD 0.00006.
gnomAD v4.1: 177 of 1,613,232 alleles (0.011%); highest among the groups gnomAD compares: East Asian, 0.025%; no homozygotes.

Submission:

Labcorp Genetics (formerly Invitae), Labcorp
Classification: Uncertain significance for Epilepsy, familial focal, with variable foci 3. Last evaluated: 2025-10-22. Review status: criteria provided, single submitter. Criteria: Invitae Variant Classification Sherloc (09022015). Collection method: clinical testing. Allele origin: germline.
Comment: This sequence change replaces arginine, which is basic and polar, with cysteine, which is neutral and slightly polar, at codon 523 of the NPRL3 protein (p.Arg523Cys). This variant is present in population databases (rs189283988, gnomAD 0.06%), and has an allele count higher than expected for a pathogenic variant. This variant has not been reported in the literature in individuals affected with NPRL3-related conditions. ClinVar contains an entry for this variant (Variation ID: 579674). Invitae Evidence Modeling of protein sequence and biophysical properties (such as structural, functional, and spatial information, amino acid conservation, physicochemical variation, residue mobility, and thermodynamic stability) indicates that this missense variant is not expected to disrupt NPRL3 protein function with a negative predictive value of 80%. In summary, the available evidence is currently insufficient to determine the role of this variant in disease. Therefore, it has been classified as a Variant of Uncertain Significance.

NM_001077350.3(NPRL3):c.1567C>T (p.Arg523Cys)

Gene: NPRL3 (NPR3 like, GATOR1 complex subunit; minus strand). Cytogenetic location: 16p13.3.
Variant type: single nucleotide variant.
Coding change: c.1567C>T on transcript NM_001077350.3 (MANE Select); coding-DNA position 1567, C replaced by T.
Protein change: p.Arg523Cys; replaces arginine 523 with cysteine.
Molecular consequence: missense variant.
Genome position (GRCh38, 1-based): chr16:86,848, G>A on the plus strand (C>T on the coding strand, the complement: NPRL3 is on the minus strand). VCF-style: chr16-86848-G-A. GRCh37 (hg19) VCF-style: chr16-136847-G-A.
Other names: c.1030C>T, p.Arg344Cys (NM_001039476.3); c.1333C>T, p.Arg445Cys (NM_001243247.2); c.1492C>T, p.Arg498Cys (NM_001243248.2, NM_001243249.2); short protein forms R498C, R523C, R344C, R445C.
Identifiers: ClinVar variation 579674 (VCV000579674.9), dbSNP rs189283988, ClinGen allele CA7769270.
Genomic context (GRCh38, chr16:86,848, plus strand): 5'-GCATGAGCAGCTGGGAGCGCCGCGTGTTCTCGTTGTACATAATCTCCTCCAGGTGGTGGC[G>A]GCCGCGGAAGTAGTGAAGGAGCCTGGAAGGGATGGGTGGGTGTGAGCCCAACCTGACACC-3'
Protein context (NP_001070818.1, residues 513-533): FARLLHYFRG[Arg523Cys]HHLEEIMYNE